The following is an entry in ClinVar:

ClinVar aggregate classification (germline): Uncertain significance (1 of 4 stars; one submission).

Submission:

GeneDx
Classification: Uncertain significance. Last evaluated: 2023-01-04. Review status: criteria provided, single submitter. Criteria: GeneDx Variant Classification Process June 2021. Collection method: clinical testing. Allele origin: germline. Affected: yes.
Comment: Not observed at significant frequency in large population cohorts (gnomAD); In silico analysis supports that this missense variant does not alter protein structure/function; Has not been previously published as pathogenic or benign to our knowledge

NM_001378183.1(PIEZO2):c.1795C>G (p.Gln599Glu)

Gene: PIEZO2 (piezo type mechanosensitive ion channel component 2; minus strand). Cytogenetic location: 18p11.22.
Variant type: single nucleotide variant.
Coding change: c.1795C>G on transcript NM_001378183.1 (MANE Select); coding-DNA position 1795, C replaced by G.
Protein change: p.Gln599Glu; replaces glutamine 599 with glutamic acid.
Molecular consequence: missense variant.
Genome position (GRCh38, 1-based): chr18:10,791,288, G>C on the plus strand (C>G on the coding strand, the complement: PIEZO2 is on the minus strand). VCF-style: chr18-10791288-G-C. GRCh37 (hg19) VCF-style: chr18-10791286-G-C.
Other names: c.1795C>G, p.Gln599Glu (NM_001410871.1, NM_022068.4); short protein forms Q599E.
Identifiers: ClinVar variation 2571848 (VCV002571848.1), dbSNP rs2510749371, ClinGen allele CA401923114.
Genomic context (GRCh38, chr18:10,791,288, plus strand): 5'-TTTTGACTTCCGATAAAAGAGCTTCCTTTTCTTGCAGAGCTTTTTGCTCTGTGAGGTGCT[G>C]CCTCAGCAGTAGCCAAAAAGTAATGGTGAAAAGGATCTGAAAGTAGAGAAGCAGCAAAAC-3'
Protein context (NP_001365112.1, residues 589-609): FTITFWLLLR[Gln599Glu]HLTEQKALQE